The following is an entry in ClinVar:

NM_001267550.2(TTN):c.96742A>T (p.Arg32248Ter)

Genes: TTN-AS1 (TTN antisense RNA 1; plus strand), TTN (titin; minus strand), LOC126806421 (CDK7 strongly-dependent group 2 enhancer GRCh37_chr2:179407630-179408829; plus strand). Cytogenetic location: 2q31.2.
Variant type: single nucleotide variant.
Coding change: c.96742A>T on transcript NM_001267550.2 (MANE Select); coding-DNA position 96742, A replaced by T.
Protein change: p.Arg32248Ter; replaces arginine 32248 with a stop codon.
Molecular consequence: nonsense.
Genome position (GRCh38, 1-based): chr2:178,543,231, T>A on the plus strand (A>T on the coding strand, the complement: TTN is on the minus strand). VCF-style: chr2-178543231-T-A. GRCh37 (hg19) VCF-style: chr2-179407958-T-A.
Other names: c.91819A>T, p.Arg30607Ter (NM_001256850.1); c.69547A>T, p.Arg23183Ter (NM_003319.4); c.89038A>T, p.Arg29680Ter (NM_133378.4); c.69922A>T, p.Arg23308Ter (NM_133432.3); c.70123A>T, p.Arg23375Ter (NM_133437.4); short protein forms R23375*, R32248*, R23183*, R29680*, R23308*, R30607*.
Identifiers: ClinVar variation 2125429 (VCV002125429.4), dbSNP rs2468925527, ClinGen allele CA349445648.

ClinVar aggregate classification (germline): Likely pathogenic (1 of 4 stars; one submission).

Conditions:
Dilated cardiomyopathy 1G (CMD1G). Identifiers: Orphanet 154, MedGen C1858763, MONDO:0011400, OMIM 604145.
Autosomal recessive limb-girdle muscular dystrophy type 2J (LGMDR10). Also called: Limb-girdle muscular dystrophy, type 2J; MUSCULAR DYSTROPHY, LIMB-GIRDLE, AUTOSOMAL RECESSIVE 10. Identifiers: Orphanet 140922, MedGen C1837342, MONDO:0012127, OMIM 608807.

Submission:

Labcorp Genetics (formerly Invitae), Labcorp
Classification: Likely pathogenic for Dilated cardiomyopathy 1G; Autosomal recessive limb-girdle muscular dystrophy type 2J. Last evaluated: 2022-04-12. Review status: criteria provided, single submitter. Criteria: Invitae Variant Classification Sherloc (09022015). Collection method: clinical testing. Allele origin: germline.
Comment: This sequence change creates a premature translational stop signal (p.Arg32248*) in the TTN gene. While this is not anticipated to result in nonsense mediated decay, it is expected to create a truncated TTN protein. In summary, the currently available evidence indicates that the variant is pathogenic, but additional data are needed to prove that conclusively. Therefore, this variant has been classified as Likely Pathogenic. This variant is located in the A band of TTN (PMID: 25589632). Truncating variants in this region are significantly overrepresented in patients affected with dilated cardiomyopathy (PMID: 25589632). Truncating variants in this region have also been reported in individuals affected with autosomal recessive centronuclear myopathy (PMID: 23975875). This variant has not been reported in the literature in individuals affected with TTN-related conditions. This variant is not present in population databases (gnomAD no frequency).

Literature cited by the submitters: PubMed 25589632; PubMed 23975875.